The following is an entry in ClinVar:

NM_001273.5(CHD4):c.3341C>T (p.Ala1114Val)

Gene: CHD4 (chromodomain helicase DNA binding protein 4; minus strand). Cytogenetic location: 12p13.31.
Variant type: single nucleotide variant.
Coding change: c.3341C>T on transcript NM_001273.5 (MANE Select); coding-DNA position 3341, C replaced by T.
Protein change: p.Ala1114Val; replaces alanine 1114 with valine.
Molecular consequence: missense variant.
Genome position (GRCh38, 1-based): chr12:6,588,422, G>A on the plus strand (C>T on the coding strand, the complement: CHD4 is on the minus strand). VCF-style: chr12-6588422-G-A. GRCh37 (hg19) VCF-style: chr12-6697588-G-A.
Other names: c.3320C>T, p.Ala1107Val (NM_001297553.2); c.3302C>T, p.Ala1101Val (NM_001363606.2); short protein forms A1101V, A1107V, A1114V.
Identifiers: ClinVar variation 5017395 (VCV005017395.1).

ClinVar aggregate classification (germline): Uncertain significance (1 of 4 stars; one submission).

Submission:

GeneDx
Classification: Uncertain significance. Last evaluated: 2026-03-24. Review status: criteria provided, single submitter. Criteria: GeneDx Variant Classification Process June 2021. Collection method: clinical testing. Allele origin: germline.
Comment: Not observed at significant frequency in large population cohorts (gnomAD); In silico analysis supports that this missense variant has a deleterious effect on protein structure/function; Has not been previously published as pathogenic or benign to our knowledge